The following is an entry in ClinVar:

ClinVar aggregate classification (germline): Pathogenic (1 of 4 stars; one submission).

Conditions:
Cortical dysplasia-focal epilepsy syndrome (PTHSL1). Also called: Pitt-Hopkins-like syndrome 1. Identifiers: Orphanet 163681, Orphanet 221150, MedGen C2750246, MONDO:0012400, OMIM 610042.

Submission:

Labcorp Genetics (formerly Invitae), Labcorp
Classification: Pathogenic for Cortical dysplasia-focal epilepsy syndrome. Last evaluated: 2023-12-19. Review status: criteria provided, single submitter. Criteria: Invitae Variant Classification Sherloc (09022015). Collection method: clinical testing. Allele origin: germline.
Comment: This sequence change creates a premature translational stop signal (p.Val145Cysfs*33) in the CNTNAP2 gene. It is expected to result in an absent or disrupted protein product. Loss-of-function variants in CNTNAP2 are known to be pathogenic (PMID: 19896112, 21827697, 25045150, 26843181, 27439707). This variant is not present in population databases (gnomAD no frequency). This variant has not been reported in the literature in individuals affected with CNTNAP2-related conditions. For these reasons, this variant has been classified as Pathogenic.

Literature cited by the submitters: PubMed 19896112; PubMed 21827697; PubMed 25045150; PubMed 26843181; PubMed 27439707.

NM_014141.6(CNTNAP2):c.431dup (p.Val145fs)

Gene: CNTNAP2 (contactin associated protein 2; plus strand). Cytogenetic location: 7q35.
Variant type: Duplication.
Coding change: c.431dup on transcript NM_014141.6 (MANE Select); coding-DNA position 431, one base duplicated (G; older notation c.431dupG).
Protein change: p.Val145fs; shifts the reading frame from valine 145.
Molecular consequence: frameshift variant.
Genome position (GRCh38, 1-based): chr7:147,043,935, G duplicated; the last of 2 consecutive G bases (chr7:147,043,934-147,043,935); duplicating either gives the same sequence. VCF-style (leftmost placement, unchanged base first): chr7-147043933-C-CG. GRCh37 (hg19) VCF-style: chr7-146741025-C-CG.
Other names: short protein forms V145fs.
Identifiers: ClinVar variation 2704114 (VCV002704114.3), dbSNP rs2485755924, ClinGen allele CA2697557651.